The following is an entry in ClinVar:

ClinVar aggregate classification (germline): Uncertain significance (1 of 4 stars; one submission).

Submission:

Labcorp Genetics (formerly Invitae), Labcorp
Classification: Uncertain significance. Last evaluated: 2022-07-19. Review status: criteria provided, single submitter. Criteria: Invitae Variant Classification Sherloc (09022015). Collection method: clinical testing. Allele origin: germline.
Comment: This sequence change replaces glutamic acid, which is acidic and polar, with glycine, which is neutral and non-polar, at codon 793 of the MPDZ protein (p.Glu793Gly). In summary, the available evidence is currently insufficient to determine the role of this variant in disease. Therefore, it has been classified as a Variant of Uncertain Significance. Algorithms developed to predict the effect of sequence changes on RNA splicing suggest that this variant may create or strengthen a splice site. Algorithms developed to predict the effect of missense changes on protein structure and function are either unavailable or do not agree on the potential impact of this missense change (SIFT: "Not Available"; PolyPhen-2: "Possibly Damaging"; Align-GVGD: "Not Available"). This variant has not been reported in the literature in individuals affected with MPDZ-related conditions. Information on the frequency of this variant in the gnomAD database is not available, as this variant may be reported differently in the database.

NM_001378778.1(MPDZ):c.2378_2379delinsGT (p.Glu793Gly)

Gene: MPDZ (multiple PDZ domain crumbs cell polarity complex component; minus strand). Cytogenetic location: 9p23.
Variant type: Indel.
Coding change: c.2378_2379delinsGT on transcript NM_001378778.1 (MANE Select); coding-DNA positions 2378 to 2379, AA replaced by GT.
Protein change: p.Glu793Gly; replaces glutamic acid 793 with glycine.
Molecular consequence: missense variant.
Genome position (GRCh38, 1-based): chr9:13,186,372-13,186,373, TT replaced by AC on the plus strand (AA replaced by GT on the coding strand, the reverse complement: MPDZ is on the minus strand). VCF-style: chr9-13186372-TT-AC. GRCh37 (hg19) VCF-style: chr9-13186371-TT-AC.
Other names: c.2378_2379delinsGT, p.Glu793Gly (NM_001261407.2, NM_001330637.2, NM_001261406.2 and 14 more transcripts); short protein forms E793G.
Identifiers: ClinVar variation 1935889 (VCV001935889.3), dbSNP rs2493849784, ClinGen allele CA2580079229.